The following is an entry in ClinVar:

ClinVar aggregate classification (germline): Conflicting classifications of pathogenicity. Review status: criteria provided, conflicting classifications (1 of 4 stars). 4 submissions from 4 submitters: Likely pathogenic (3); Uncertain significance (1). Last evaluated 2025-11-25.

Conditions:
Succinate-semialdehyde dehydrogenase deficiency (SSADHD). Also called: Succinic Semialdehyde Dehydrogenase Deficiency; 4-HYDROXYBUTYRIC ACIDURIA; GABA METABOLIC DEFECT; SSADH DEFICIENCY. Identifiers: Orphanet 22, MedGen C0268631, MONDO:0010083, OMIM 271980.

Submissions (4):

GeneDx
Classification: Likely pathogenic. Last evaluated: 2025-11-25. Review status: criteria provided, single submitter. Criteria: GeneDx Variant Classification Process June 2021. Collection method: clinical testing. Allele origin: germline. Affected: yes.
Comment: Identified in an individual with succinic semialdehyde dehydrogenase deficiency in the published literature, however, clinical and familial segregation information was not provided (PMID: 32887777); Not observed at significant frequency in large population cohorts (gnomAD); In silico analysis supports a deleterious effect on splicing; This variant is associated with the following publications: (PMID: 37962671, 32887777, 40741980)

Elsea Laboratory, Baylor College of Medicine
Classification: Likely pathogenic for Succinate-semialdehyde dehydrogenase deficiency. Last evaluated: 2021-03-08. Review status: criteria provided, single submitter. Criteria: Martin et al. (J Child Neurol. 2021). Collection method: curation. Allele origin: germline. Affected: yes.

Revvity Omics, Revvity
Classification: Uncertain significance for Succinate-semialdehyde dehydrogenase deficiency. Last evaluated: 2021-01-30. Review status: criteria provided, single submitter. Criteria: ACMG Guidelines, 2015. Collection method: clinical testing. Allele origin: germline.

Labcorp Genetics (formerly Invitae), Labcorp
Classification: Likely pathogenic for Succinate-semialdehyde dehydrogenase deficiency. Last evaluated: 2020-12-23. Review status: criteria provided, single submitter. Criteria: Invitae Variant Classification Sherloc (09022015). Collection method: clinical testing. Allele origin: germline.
Comment: This variant has been observed in individual(s) with succinic semialdehyde dehydrogenase deficiency (PMID: 32887777, Invitae). In at least one individual the data is consistent with the variant being in trans (on the opposite chromosome) from a pathogenic variant. In summary, the currently available evidence indicates that the variant is pathogenic, but additional data are needed to prove that conclusively. Therefore, this variant has been classified as Likely Pathogenic. Nucleotide substitutions within the consensus splice site are a relatively common cause of aberrant splicing (PMID: 17576681, 9536098). Algorithms developed to predict the effect of sequence changes on RNA splicing suggest that this variant may disrupt the consensus splice site, but this prediction has not been confirmed by published transcriptional studies. This variant is not present in population databases (ExAC no frequency). This sequence change falls in intron 6 of the ALDH5A1 gene. It does not directly change the encoded amino acid sequence of the ALDH5A1 protein. It affects a nucleotide within the consensus splice site of the intron.

Literature cited by the submitters: PubMed 32887777 (cited by Elsea Laboratory, Baylor College of Medicine and Labcorp Genetics (formerly Invitae), Labcorp); PubMed 17576681 (cited by Labcorp Genetics (formerly Invitae), Labcorp); PubMed 9536098 (cited by Labcorp Genetics (formerly Invitae), Labcorp).

NM_001080.3(ALDH5A1):c.1015-3C>G

Gene: ALDH5A1 (aldehyde dehydrogenase 5 family member A1; plus strand). Cytogenetic location: 6p22.3.
Variant type: single nucleotide variant.
Coding change: c.1015-3C>G on transcript NM_001080.3 (MANE Select); 3 bases into the intron before coding-DNA position 1015, C replaced by G.
Molecular consequence: intron variant.
Genome position (GRCh38, 1-based): chr6:24,522,764, C>G. VCF-style: chr6-24522764-C-G. GRCh37 (hg19) VCF-style: chr6-24522992-C-G.
Other names: c.1054-3C>G (NM_170740.1); c.871-3C>G (NM_001368954.1).
Identifiers: ClinVar variation 1478419 (VCV001478419.14), dbSNP rs2127387935, ClinGen allele CA2573140167.